The following is an entry in ClinVar:

NM_000264.5(PTCH1):c.394+1G>A

Gene: PTCH1 (patched 1; minus strand). Cytogenetic location: 9q22.32.
Variant type: single nucleotide variant.
Coding change: c.394+1G>A on transcript NM_000264.5 (MANE Select); the canonical splice donor site of the intron after coding-DNA position 394, G replaced by A.
Molecular consequence: splice donor variant.
Genome position (GRCh38, 1-based): chr9:95,506,406, C>T on the plus strand (G>A on the coding strand, the complement: PTCH1 is on the minus strand). VCF-style: chr9-95506406-C-T. GRCh37 (hg19) VCF-style: chr9-98268688-C-T.
Other names: c.391+1G>A (NM_001083603.3); c.196+1G>A (NM_001083602.3, NM_001354919.2); c.394+1G>A (NM_001354918.2); c.-60+1G>A (NM_001083605.3, NM_001083604.3, NM_001083606.3 and 1 more transcripts).
Identifiers: ClinVar variation 428849 (VCV000428849.16), dbSNP rs1131690995, ClinGen allele CA374120125.

ClinVar aggregate classification (germline): Pathogenic. Review status: criteria provided, multiple submitters, no conflicts (2 of 4 stars). 3 submissions from 3 submitters: Pathogenic (3). Last evaluated 2025-10-30.

Conditions:
Hereditary cancer-predisposing syndrome. Also called: Hereditary neoplastic syndrome; Tumor predisposition; Neoplastic Syndromes, Hereditary; Hereditary Cancer Syndrome. Identifiers: Orphanet 140162, MedGen C0027672, MeSH D009386, MONDO:0015356.
Gorlin syndrome. Also called: Nevoid Basal Cell Carcinoma Syndrome; Basal cell nevus syndrome. Identifiers: Orphanet 377, MedGen C0004779, MONDO:0007187.

Submissions (3):

GeneDx
Classification: Pathogenic. Last evaluated: 2025-10-30. Review status: criteria provided, single submitter. Criteria: GeneDx Variant Classification Process June 2021. Collection method: clinical testing. Allele origin: germline. Affected: yes.
Comment: Previously reported in a proband with basal cell nevus syndrome; however detailed clinical information was not provided (PMID: 29575684); Canonical splice site variant predicted to result in a null allele in a gene for which loss of function is a known mechanism of disease; Not observed at significant frequency in large population cohorts (gnomAD); This variant is associated with the following publications: (PMID: 29575684)

Labcorp Genetics (formerly Invitae), Labcorp
Classification: Pathogenic for Gorlin syndrome. Last evaluated: 2024-10-01. Review status: criteria provided, single submitter. Criteria: Invitae Variant Classification Sherloc (09022015). Collection method: clinical testing. Allele origin: germline.
Comment: This sequence change affects a donor splice site in intron 2 of the PTCH1 gene. RNA analysis indicates that disruption of this splice site induces altered splicing and may result in an absent or altered protein product. This variant is not present in population databases (gnomAD no frequency). Disruption of this splice site has been observed in individuals with clinical features of basal cell nevus syndrome (PMID: 29575684, 30997576; internal data). ClinVar contains an entry for this variant (Variation ID: 428849). Studies have shown that disruption of this splice site results in skipping of exon 2, and produces a non-functional protein and/or introduces a premature termination codon (PMID: 30997576). For these reasons, this variant has been classified as Pathogenic.

Ambry Genetics
Classification: Pathogenic for Hereditary cancer-predisposing syndrome. Last evaluated: 2023-03-07. Review status: criteria provided, single submitter. Criteria: Ambry Variant Classification Scheme 2023. Collection method: clinical testing. Allele origin: germline.
Comment: The c.394+1G>A intronic pathogenic mutation results from a G to A substitution one nucleotide after coding exon 2 of the PTCH1 gene. This alteration has been observed in at least one individual with a personal and/or family history that is consistent with PTCH1-related disease (Ambry internal data). This variant is considered to be rare based on population cohorts in the Genome Aggregation Database (gnomAD). This nucleotide position is highly conserved in available vertebrate species. In silico splice site analysis predicts that this alteration will weaken the native splice donor site; however, direct evidence is insufficient at this time (Ambry internal data). Alterations that disrupt the canonical splice site are expected to cause aberrant splicing, resulting in an abnormal protein or a transcript that is subject to nonsense-mediated mRNA decay. Based on the supporting evidence, this alteration is interpreted as a disease-causing mutation.

Literature cited by the submitters: PubMed 29575684 (cited by Labcorp Genetics (formerly Invitae), Labcorp); PubMed 30997576 (cited by Labcorp Genetics (formerly Invitae), Labcorp).